The following is an entry in ClinVar:

ClinVar aggregate classification (germline): Uncertain significance (1 of 4 stars; one submission).

Conditions:
Juvenile polyposis syndrome (JPS). Identifiers: Orphanet 2929, MedGen C0345893, MONDO:0017380, OMIM 174900.

Submission:

Labcorp Genetics (formerly Invitae), Labcorp
Classification: Uncertain significance for Juvenile polyposis syndrome. Last evaluated: 2022-12-25. Review status: criteria provided, single submitter. Criteria: Invitae Variant Classification Sherloc (09022015). Collection method: clinical testing. Allele origin: germline.
Comment: In summary, the available evidence is currently insufficient to determine the role of this variant in disease. Therefore, it has been classified as a Variant of Uncertain Significance. Advanced modeling of protein sequence and biophysical properties (such as structural, functional, and spatial information, amino acid conservation, physicochemical variation, residue mobility, and thermodynamic stability) has been performed at Invitae for this missense variant, however the output from this modeling did not meet the statistical confidence thresholds required to predict the impact of this variant on SMAD4 protein function. This variant has not been reported in the literature in individuals affected with SMAD4-related conditions. This variant is not present in population databases (gnomAD no frequency). This sequence change replaces proline, which is neutral and non-polar, with threonine, which is neutral and polar, at codon 346 of the SMAD4 protein (p.Pro346Thr).

NM_005359.6(SMAD4):c.1036C>A (p.Pro346Thr)

Gene: SMAD4 (SMAD family member 4; plus strand). Cytogenetic location: 18q21.2.
Variant type: single nucleotide variant.
Coding change: c.1036C>A on transcript NM_005359.6 (MANE Select); coding-DNA position 1036, C replaced by A.
Protein change: p.Pro346Thr; replaces proline 346 with threonine.
Molecular consequence: missense variant. On other transcripts: non-coding transcript variant (2).
Genome position (GRCh38, 1-based): chr18:51,065,503, C>A. VCF-style: chr18-51065503-C-A. GRCh37 (hg19) VCF-style: chr18-48591873-C-A.
Other names: c.1036C>A, p.Pro346Thr (NM_001407041.1, NM_001407042.1, NM_001407043.1); short protein forms P346T.
Identifiers: ClinVar variation 2824002 (VCV002824002.3), dbSNP rs2144446966, ClinGen allele CA402464257.
Genomic context (GRCh38, chr18:51,065,503, plus strand): 5'-ATTGCTTACTTTGAAATGGATGTTCAGGTAGGAGAGACATTTAAGGTTCCTTCAAGCTGC[C>A]CTATTGTTACTGTTGATGGATACGTGGACCCTTCTGGAGGAGATCGCTTTTGTTTGGGTC-3'
Protein context (NP_005350.1, residues 336-356): GETFKVPSSC[Pro346Thr]IVTVDGYVDP